The following is an entry in ClinVar:

ClinVar aggregate classification (germline): Uncertain significance. Review status: criteria provided, single submitter (1 of 4 stars). 2 submissions from 2 submitters: Uncertain significance (1). 1 of the submissions does not count toward it. Last evaluated 2022-08-21.

Conditions:
Meckel-Gruber syndrome. Also called: DYSENCEPHALIA SPLANCHNOCYSTICA; GRUBER SYNDROME; Dysencephalia splachnocystica. Identifiers: Orphanet 564, MedGen C0265215, MONDO:0018921.
Joubert syndrome. Also called: JOUBERT-BOLTSHAUSER SYNDROME; Familial aplasia of the vermis. Identifiers: Orphanet 475, MedGen C5979921, MONDO:0018772.
RPGRIP1L-related disorder. Also called: RPGRIP1L-related disorders; RPGRIP1L-related condition. Identifiers: MedGen CN239416.

Allele frequency attached by ClinVar (database versions not stated): gnomAD exomes below 0.00001.
gnomAD v4.1: 1 of 1,613,300 alleles (0.000062%); highest among the groups gnomAD compares: Admixed American, 0.0017%; no homozygotes.

Submissions (2):

Labcorp Genetics (formerly Invitae), Labcorp
Classification: Uncertain significance for Joubert syndrome; Meckel-Gruber syndrome. Last evaluated: 2022-08-21. Review status: criteria provided, single submitter. Criteria: Invitae Variant Classification Sherloc (09022015). Collection method: clinical testing. Allele origin: germline.
Comment: This sequence change replaces threonine, which is neutral and polar, with isoleucine, which is neutral and non-polar, at codon 394 of the RPGRIP1L protein (p.Thr394Ile). This variant is not present in population databases (gnomAD no frequency). This variant has not been reported in the literature in individuals affected with RPGRIP1L-related conditions. Algorithms developed to predict the effect of missense changes on protein structure and function are either unavailable or do not agree on the potential impact of this missense change (SIFT: "Deleterious"; PolyPhen-2: "Benign"; Align-GVGD: "Class C15"). In summary, the available evidence is currently insufficient to determine the role of this variant in disease. Therefore, it has been classified as a Variant of Uncertain Significance.

PreventionGenetics, part of Exact Sciences
Classification: Uncertain significance for RPGRIP1L-related condition. Last evaluated: 2024-07-08. Review status: no assertion criteria provided. Collection method: clinical testing. Allele origin: germline. Not counted in ClinVar's aggregate classification.
Comment: The RPGRIP1L c.1181C>T variant is predicted to result in the amino acid substitution p.Thr394Ile. To our knowledge, this variant has not been reported in the literature or in a large population database, indicating this variant is rare. At this time, the clinical significance of this variant is uncertain due to the absence of conclusive functional and genetic evidence.

NM_015272.5(RPGRIP1L):c.1181C>T (p.Thr394Ile)

Gene: RPGRIP1L (RPGRIP1 like; minus strand). Cytogenetic location: 16q12.2.
Variant type: single nucleotide variant.
Coding change: c.1181C>T on transcript NM_015272.5 (MANE Select); coding-DNA position 1181, C replaced by T.
Protein change: p.Thr394Ile; replaces threonine 394 with isoleucine.
Molecular consequence: missense variant.
Genome position (GRCh38, 1-based): chr16:53,664,932, G>A on the plus strand (C>T on the coding strand, the complement: RPGRIP1L is on the minus strand). VCF-style: chr16-53664932-G-A. GRCh37 (hg19) VCF-style: chr16-53698844-G-A.
Other names: c.1181C>T (NM_015272.4); c.1181C>T, p.Thr394Ile (NM_001127897.4, NM_001308334.3, NM_001330538.2); short protein forms T394I.
Identifiers: ClinVar variation 1900231 (VCV001900231.3), dbSNP rs1028865384, ClinGen allele CA281351140.